The following is an entry in ClinVar:

NM_006254.4(PRKCD):c.948C>T (p.Phe316=)

Gene: PRKCD (protein kinase C delta; plus strand). Cytogenetic location: 3p21.1.
Variant type: single nucleotide variant.
Coding change: c.948C>T on transcript NM_006254.4 (MANE Select); coding-DNA position 948, C replaced by T.
Protein change: p.Phe316=; no amino-acid change (phenylalanine 316 retained).
Molecular consequence: synonymous variant.
Genome position (GRCh38, 1-based): chr3:53,185,663, C>T. VCF-style: chr3-53185663-C-T. GRCh37 (hg19) VCF-style: chr3-53219679-C-T.
Other names: c.948C>T, p.Phe316= (NM_001316327.2, NM_001354679.2, NM_001354680.2 and 1 more transcripts); c.1005C>T, p.Phe335= (NM_001354676.2); c.996C>T, p.Phe332= (NM_001354678.2).
Identifiers: ClinVar variation 1093053 (VCV001093053.31), dbSNP rs138049008, ClinGen allele CA2452021.

ClinVar aggregate classification (germline): Likely benign. Review status: criteria provided, multiple submitters, no conflicts (2 of 4 stars). 2 submissions from 2 submitters: Likely benign (2). Last evaluated 2025-12-25.

Conditions:
Autoimmune lymphoproliferative syndrome, type III caused by mutation in PRKCD. Identifiers: Orphanet 3261, Orphanet 664711, MedGen C3809928, MONDO:8000024, OMIM 615559.

Allele frequency attached by ClinVar (database versions not stated): ExAC 0.00016; gnomAD 0.00021 and 0.00022; 1000 Genomes Project 30x 0.00031; ESP Exome Variant Server 0.00031; TOPMed 0.00037; 1000 Genomes Project 0.00040.
gnomAD v4.1: 123 of 1,612,812 alleles (0.0076%); highest among the groups gnomAD compares: East Asian, 0.1%; 1 homozygote.

Submissions (2):

Labcorp Genetics (formerly Invitae), Labcorp
Classification: Likely benign for Autoimmune lymphoproliferative syndrome, type III caused by mutation in PRKCD. Last evaluated: 2025-12-25. Review status: criteria provided, single submitter. Criteria: Invitae Variant Classification Sherloc (09022015). Collection method: clinical testing. Allele origin: germline.

CeGaT Center for Human Genetics Tuebingen
Classification: Likely benign. Last evaluated: 2022-03-01. Review status: criteria provided, single submitter. Criteria: CeGaT Center For Human Genetics Tuebingen Variant Classification Criteria Version 2. Collection method: clinical testing. Allele origin: germline. Affected: yes. Observed: 1 variant allele.
Comment: PRKCD: BP4, BP7